The following is an entry in ClinVar:

NM_058216.3(RAD51C):c.-26C>T

Gene: RAD51C (RAD51 paralog C; plus strand). Cytogenetic location: 17q22.
Variant type: single nucleotide variant.
Coding change: c.-26C>T on transcript NM_058216.3 (MANE Select); 26 bases upstream of the start codon, C replaced by T.
Molecular consequence: 5 prime UTR variant. On other transcripts: non-coding transcript variant (2).
Genome position (GRCh38, 1-based): chr17:58,692,618, C>T. VCF-style: chr17-58692618-C-T. GRCh37 (hg19) VCF-style: chr17-56769979-C-T.
Other names: c.-26C>T (NM_002876.4).
Identifiers: ClinVar variation 324173 (VCV000324173.13), dbSNP rs12946397, ClinGen allele CA8677103.

ClinVar aggregate classification (germline): Benign/Likely benign. Review status: criteria provided, multiple submitters, no conflicts (2 of 4 stars). 7 submissions from 7 submitters: Benign (2); Likely benign (1). 4 of the submissions do not count toward it. Last evaluated 2025-07-10.

Conditions:
RAD51C-related disorder. Also called: RAD51C-related condition; RAD51C-related disorders.
Hereditary cancer-predisposing syndrome. Also called: Tumor predisposition; Neoplastic Syndromes, Hereditary; Hereditary neoplastic syndrome; Hereditary Cancer Syndrome. Identifiers: Orphanet 140162, MedGen C0027672, MeSH D009386, MONDO:0015356.

Allele frequency attached by ClinVar (database versions not stated): 1000 Genomes Project 30x 0.15678; 1000 Genomes Project 0.15835; TOPMed 0.16996; ESP Exome Variant Server 0.17799; ExAC 0.17967; gnomAD exomes 0.17978 and 0.20523; gnomAD 0.18608.

Submissions (7):

GeneKor MSA
Classification: Benign for Hereditary cancer-predisposing syndrome. Last evaluated: 2025-07-10. Review status: criteria provided, single submitter. Criteria: ACMG Guidelines, 2015. Collection method: clinical testing. Allele origin: germline.

GeneDx
Classification: Benign. Last evaluated: 2015-03-03. Review status: criteria provided, single submitter. Criteria: GeneDx Variant Classification Process June 2021. Collection method: clinical testing. Allele origin: germline. Affected: yes.

Breakthrough Genomics
Classification: Likely benign. Review status: criteria provided, single submitter. Criteria: ACMG Guidelines, 2015. Collection method: not provided. Allele origin: germline. Inheritance: Autosomal recessive inheritance. Affected: yes.

PreventionGenetics, part of Exact Sciences
Classification: Benign for RAD51C-related condition. Last evaluated: 2022-09-09. Review status: no assertion criteria provided. Collection method: clinical testing. Allele origin: germline. Not counted in ClinVar's aggregate classification.
Comment: This variant is classified as benign based on ACMG/AMP sequence variant interpretation guidelines (Richards et al. 2015 PMID: 25741868, with internal and published modifications).

Leiden Open Variation Database
Classification: Likely benign. Last evaluated: 2014-11-02. Review status: no assertion criteria provided. Collection method: curation. Allele origin: germline. Affected: yes. Not counted in ClinVar's aggregate classification.
Comment: Curator: Arleen D. Auerbach. Submitter to LOVD: Christine Rappaport.

Clinical Genetics Laboratory, Department of Pathology, Netherlands Cancer Institute
Classification: Benign. Review status: no assertion criteria provided. Collection method: clinical testing. Allele origin: germline. Affected: yes. Study: VKGL Data-share Consensus. Not counted in ClinVar's aggregate classification.

Joint Genome Diagnostic Labs from Nijmegen and Maastricht, Radboudumc and MUMC+
Classification: Benign. Review status: no assertion criteria provided. Collection method: clinical testing. Allele origin: germline. Affected: yes. Study: VKGL Data-share Consensus. Not counted in ClinVar's aggregate classification.